The following is an entry in ClinVar:

NM_002317.7(LOX):c.37_38del (p.Leu13fs)

Genes: LOX (lysyl oxidase; minus strand), SRFBP1 (serum response factor binding protein 1; plus strand). Cytogenetic location: 5q23.1.
Variant type: Deletion.
Coding change: c.37_38del on transcript NM_002317.7 (MANE Select); coding-DNA positions 37 to 38, 2 bases deleted (TT; older notation c.37_38delTT).
Protein change: p.Leu13fs; shifts the reading frame from leucine 13.
Molecular consequence: frameshift variant.
Genome position (GRCh38, 1-based): chr5:122,077,948-122,077,949, AA deleted on the plus strand (TT on the coding strand, the reverse complement: LOX is on the minus strand); deleting any 2 consecutive bases within chr5:122,077,948-122,077,950 gives the same sequence; the c. name uses the placement nearest the transcript's 3' end. VCF-style (leftmost placement, unchanged base first): chr5-122077947-CAA-C. GRCh37 (hg19) VCF-style: chr5-121413642-CAA-C.
Other names: short protein forms L13fs.
Identifiers: ClinVar variation 4098960 (VCV004098960.2).

ClinVar aggregate classification (germline): Pathogenic. Review status: criteria provided, multiple submitters, no conflicts (2 of 4 stars). 2 submissions from 2 submitters: Pathogenic (2). Last evaluated 2025-08-30.

Conditions:
Cardiovascular phenotype. Identifiers: MedGen CN230736.

Submissions (2):

Labcorp Genetics (formerly Invitae), Labcorp
Classification: Pathogenic. Last evaluated: 2025-08-30. Review status: criteria provided, single submitter. Criteria: Invitae Variant Classification Sherloc (09022015). Collection method: clinical testing. Allele origin: germline.
Comment: This sequence change creates a premature translational stop signal (p.Leu13Alafs*120) in the LOX gene. It is expected to result in an absent or disrupted protein product. Loss-of-function variants in LOX are known to be pathogenic (PMID: 12417550, 26838787, 27432961). This variant is not present in population databases (gnomAD no frequency). This variant has not been reported in the literature in individuals affected with LOX-related conditions. For these reasons, this variant has been classified as Pathogenic.

Ambry Genetics
Classification: Pathogenic for Cardiovascular phenotype. Last evaluated: 2025-07-08. Review status: criteria provided, single submitter. Criteria: Ambry Variant Classification Scheme 2023. Collection method: clinical testing. Allele origin: germline.
Comment: The c.37_38delTT pathogenic mutation, located in coding exon 1 of the LOX gene, results from a deletion of two nucleotides at nucleotide positions 37 to 38, causing a translational frameshift with a predicted alternate stop codon (p.L13Afs*120). This variant was reported in individual(s) with features consistent with LOX-related thoracic aortic aneurysm and dissection (Ambry internal data). This variant is considered to be rare based on population cohorts in the Genome Aggregation Database (gnomAD). This alteration is expected to result in loss of function by premature protein truncation or nonsense-mediated mRNA decay. As such, this alteration is interpreted as a disease-causing mutation.

Literature cited by the submitters: PubMed 12417550 (cited by Labcorp Genetics (formerly Invitae), Labcorp); PubMed 26838787 (cited by Labcorp Genetics (formerly Invitae), Labcorp); PubMed 27432961 (cited by Labcorp Genetics (formerly Invitae), Labcorp).